The following is an entry in ClinVar:

NM_001197104.2(KMT2A):c.3329A>G (p.Asn1110Ser)

Gene: KMT2A (lysine methyltransferase 2A; plus strand). Cytogenetic location: 11q23.3.
Variant type: single nucleotide variant.
Coding change: c.3329A>G on transcript NM_001197104.2 (MANE Select); coding-DNA position 3329, A replaced by G.
Protein change: p.Asn1110Ser; replaces asparagine 1110 with serine.
Molecular consequence: missense variant.
Genome position (GRCh38, 1-based): chr11:118,476,977, A>G. VCF-style: chr11-118476977-A-G. GRCh37 (hg19) VCF-style: chr11-118347692-A-G.
Other names: c.3428A>G, p.Asn1143Ser (NM_001412597.1); c.3329A>G, p.Asn1110Ser (NM_005933.4); short protein forms N1110S, N1143S.
Identifiers: ClinVar variation 4991792 (VCV004991792.1).

ClinVar aggregate classification (germline): Uncertain significance (1 of 4 stars; one submission).

Conditions:
KMT2A-related disorder. Also called: KMT2A-related condition.

gnomAD v4.1: 1 of 1,614,118 alleles (0.000062%); highest among the groups gnomAD compares: South Asian, 0.0011%; no homozygotes.

Submission:

PreventionGenetics, part of Exact Sciences
Classification: Uncertain significance for KMT2A-related condition. Last evaluated: 2026-03-05. Review status: criteria provided, single submitter. Criteria: ACMG Guidelines, 2015. Collection method: clinical testing. Allele origin: germline.
Comment: The KMT2A c.3329A>G variant is predicted to result in the amino acid substitution p.Asn1110Ser. To our knowledge, this variant has not been reported in the literature. This variant is reported in 0.0033% of alleles in individuals of South Asian descent in gnomAD. At this time, the clinical significance of this variant is uncertain due to the absence of conclusive functional and genetic evidence.